The following is an entry in ClinVar:

NM_025099.6(CTC1):c.1993G>A (p.Val665Met)

Gene: CTC1 (CST telomere replication complex component 1; minus strand). Cytogenetic location: 17p13.1.
Variant type: single nucleotide variant.
Coding change: c.1993G>A on transcript NM_025099.6 (MANE Select); coding-DNA position 1993, G replaced by A.
Protein change: p.Val665Met; replaces valine 665 with methionine.
Molecular consequence: missense variant. On other transcripts: non-coding transcript variant (1).
Genome position (GRCh38, 1-based): chr17:8,232,428, C>T on the plus strand (G>A on the coding strand, the complement: CTC1 is on the minus strand). VCF-style: chr17-8232428-C-T. GRCh37 (hg19) VCF-style: chr17-8135746-C-T.
Other names: short protein forms V665M.
Identifiers: ClinVar variation 963964 (VCV000963964.10), dbSNP rs751450242, ClinGen allele CA8372205.

ClinVar aggregate classification (germline): Uncertain significance. Review status: criteria provided, multiple submitters, no conflicts (2 of 4 stars). 2 submissions from 2 submitters: Uncertain significance (2). Last evaluated 2025-01-01.

Conditions:
Cerebroretinal microangiopathy with calcifications and cysts 1 (CRMCC1). Identifiers: Orphanet 313838, MedGen C4552029, MONDO:0024564, OMIM 612199.
Dyskeratosis congenita. Identifiers: Orphanet 1775, MedGen C0265965, MONDO:0015780.

Allele frequency attached by ClinVar (database versions not stated): ExAC 0.00001; gnomAD exomes 0.00001; TOPMed 0.00001.
gnomAD v4.1: 5 of 1,614,180 alleles (0.00031%); highest among the groups gnomAD compares: Admixed American, 0.0017%; no homozygotes.

Submissions (2):

Labcorp Genetics (formerly Invitae), Labcorp
Classification: Uncertain significance for Dyskeratosis congenita. Last evaluated: 2025-01-01. Review status: criteria provided, single submitter. Criteria: Invitae Variant Classification Sherloc (09022015). Collection method: clinical testing. Allele origin: germline.
Comment: This sequence change replaces valine, which is neutral and non-polar, with methionine, which is neutral and non-polar, at codon 665 of the CTC1 protein (p.Val665Met). This variant is present in population databases (rs751450242, gnomAD 0.003%). This variant has not been reported in the literature in individuals affected with CTC1-related conditions. ClinVar contains an entry for this variant (Variation ID: 963964). Invitae Evidence Modeling of protein sequence and biophysical properties (such as structural, functional, and spatial information, amino acid conservation, physicochemical variation, residue mobility, and thermodynamic stability) indicates that this missense variant is not expected to disrupt CTC1 protein function with a negative predictive value of 80%. This variant disrupts the p.Val665 amino acid residue in CTC1. Other variant(s) that disrupt this residue have been determined to be pathogenic (PMID: 22387016, 23869908, 24115768). This suggests that this residue is clinically significant, and that variants that disrupt this residue are likely to be disease-causing. In summary, the available evidence is currently insufficient to determine the role of this variant in disease. Therefore, it has been classified as a Variant of Uncertain Significance.

Fulgent Genetics
Classification: Uncertain significance for Cerebroretinal microangiopathy with calcifications and cysts 1. Last evaluated: 2024-03-26. Review status: criteria provided, single submitter. Criteria: ACMG Guidelines, 2015. Collection method: clinical testing. Allele origin: germline.

Literature cited by the submitters: PubMed 22387016 (cited by Labcorp Genetics (formerly Invitae), Labcorp); PubMed 23869908 (cited by Labcorp Genetics (formerly Invitae), Labcorp); PubMed 24115768 (cited by Labcorp Genetics (formerly Invitae), Labcorp).